The following is an entry in ClinVar:

ClinVar aggregate classification (germline): Uncertain significance (1 of 4 stars; one submission).

Conditions:
Neuropathy, hereditary sensory and autonomic, type 2A (HSAN2A). Also called: HSAN IIA; WNK1-Related HSAN2 (HSAN2A); ACROOSTEOLYSIS, GIACCAI TYPE; ACROOSTEOLYSIS, NEUROGENIC; MORVAN DISEASE; NEUROPATHY, CONGENITAL SENSORY. Identifiers: Orphanet 970, MedGen C2752089, MONDO:0024309, OMIM 201300.
Pseudohypoaldosteronism type 2C (PHA2C). Also called: Pseudohypoaldosteronism Type IIC. Identifiers: Orphanet 757, Orphanet 88940, MedGen C1840391, MONDO:0013778, OMIM 614492.

Allele frequency attached by ClinVar (database versions not stated): ExAC 0.00001; gnomAD 0.00001; gnomAD exomes 0.00001; TOPMed 0.00001.
gnomAD v4.1: 5 of 1,614,066 alleles (0.00031%); highest among the groups gnomAD compares: South Asian, 0.0033%; no homozygotes.

Submission:

Labcorp Genetics (formerly Invitae), Labcorp
Classification: Uncertain significance for Neuropathy, hereditary sensory and autonomic, type 2A; Pseudohypoaldosteronism type 2C. Last evaluated: 2024-04-25. Review status: criteria provided, single submitter. Criteria: Invitae Variant Classification Sherloc (09022015). Collection method: clinical testing. Allele origin: germline.
Comment: This sequence change replaces glycine, which is neutral and non-polar, with glutamic acid, which is acidic and polar, at codon 1463 of the WNK1 protein (p.Gly1463Glu). This variant is present in population databases (rs749955344, gnomAD 0.0009%). This variant has not been reported in the literature in individuals affected with WNK1-related conditions. Advanced modeling of protein sequence and biophysical properties (such as structural, functional, and spatial information, amino acid conservation, physicochemical variation, residue mobility, and thermodynamic stability) performed at Invitae indicates that this missense variant is not expected to disrupt WNK1 protein function with a negative predictive value of 95%. In summary, the available evidence is currently insufficient to determine the role of this variant in disease. Therefore, it has been classified as a Variant of Uncertain Significance.

NM_018979.4(WNK1):c.3632G>A (p.Gly1211Glu)

Gene: WNK1 (WNK lysine deficient protein kinase 1; plus strand). Cytogenetic location: 12p13.33.
Variant type: single nucleotide variant.
Coding change: c.3632G>A on transcript NM_018979.4 (MANE Select); coding-DNA position 3632, G replaced by A.
Protein change: p.Gly1211Glu; replaces glycine 1211 with glutamic acid.
Molecular consequence: missense variant.
Genome position (GRCh38, 1-based): chr12:883,537, G>A. VCF-style: chr12-883537-G-A. GRCh37 (hg19) VCF-style: chr12-992703-G-A.
Other names: c.4412G>A, p.Gly1471Glu (NM_001184985.2); c.2891G>A, p.Gly964Glu (NM_014823.3); c.4388G>A, p.Gly1463Glu (NM_213655.5); short protein forms G1463E, G1471E, G964E, G1211E.
Identifiers: ClinVar variation 2928634 (VCV002928634.3), dbSNP rs749955344, ClinGen allele CA6382808.